The following is an entry in ClinVar:

NM_001430.5(EPAS1):c.73T>C (p.Cys25Arg)

Gene: EPAS1 (endothelial PAS domain protein 1; plus strand). Cytogenetic location: 2p21.
Variant type: single nucleotide variant.
Coding change: c.73T>C on transcript NM_001430.5 (MANE Select); coding-DNA position 73, T replaced by C.
Protein change: p.Cys25Arg; replaces cysteine 25 with arginine.
Molecular consequence: missense variant.
Genome position (GRCh38, 1-based): chr2:46,346,919, T>C. VCF-style: chr2-46346919-T-C. GRCh37 (hg19) VCF-style: chr2-46574058-T-C.
Other names: short protein forms C25R.
Identifiers: ClinVar variation 3508908 (VCV003508908.1).

ClinVar aggregate classification (germline): Uncertain significance (1 of 4 stars; one submission).

Conditions:
Inborn genetic diseases. Identifiers: MedGen C0950123, MeSH D030342.

gnomAD v4.1: 1 of 1,614,170 alleles (0.000062%); highest among the groups gnomAD compares: Non-Finnish European, 0.000085%; no homozygotes.

Submission:

Ambry Genetics
Classification: Uncertain significance for Inborn genetic diseases. Last evaluated: 2024-09-01. Review status: criteria provided, single submitter. Criteria: Ambry Variant Classification Scheme 2023. Collection method: clinical testing. Allele origin: germline.
Comment: The p.C25R variant (also known as c.73T>C), located in coding exon 2 of the EPAS1 gene, results from a T to C substitution at nucleotide position 73. The cysteine at codon 25 is replaced by arginine, an amino acid with highly dissimilar properties. This amino acid position is conserved. In addition, the in silico prediction for this alteration is inconclusive. Based on the available evidence, the clinical significance of this variant remains unclear.